The following is an entry in ClinVar:

ClinVar aggregate classification (germline): Likely benign. Review status: criteria provided, multiple submitters, no conflicts (2 of 4 stars). 2 submissions from 2 submitters: Likely benign (2). Last evaluated 2024-02-05.

Conditions:
Malignant hyperthermia, susceptibility to, 1 (MHS1). Also called: Anesthesia related hyperthermia; Malignant hyperpyrexia; Fulminating hyperpyrexia; Pharmacogenic myopathy; RYR1-Related Malignant Hyperthermia Susceptibility; Malignant hyperthermia suceptibility 1. Identifiers: Orphanet 423, MedGen C2930980, MONDO:0007783, OMIM 145600.

Allele frequency attached by ClinVar (database versions not stated): gnomAD exomes below 0.00001.
gnomAD v4.1: 3 of 1,610,088 alleles (0.00019%); highest among the groups gnomAD compares: African/African-American, 0.0013%; no homozygotes.

Submissions (2):

All of Us Research Program, National Institutes of Health
Classification: Likely benign for Malignant hyperthermia, susceptibility to, 1. Last evaluated: 2024-02-05. Review status: criteria provided, single submitter. Criteria: ACMG Guidelines, 2015. Collection method: clinical testing. Allele origin: germline. Inheritance: Autosomal dominant inheritance. Observed: 1 variant allele, 1 heterozygote.
Comment: This study involves interpretation of variants in research participants for the purpose of population health screening. Participant phenotype was not available at the time of variant classification. Additional details can be found in publication PMID: 35346344, PMCID: PMC8962531

Color Diagnostics, LLC DBA Color Health
Classification: Likely benign for Malignant hyperthermia, susceptibility to, 1. Last evaluated: 2024-01-25. Review status: criteria provided, single submitter. Criteria: ACMG Guidelines, 2015. Collection method: clinical testing. Allele origin: germline.

NM_000540.3(RYR1):c.4974G>C (p.Leu1658=)

Gene: RYR1 (ryanodine receptor 1; plus strand). Cytogenetic location: 19q13.2.
Variant type: single nucleotide variant.
Coding change: c.4974G>C on transcript NM_000540.3 (MANE Select); coding-DNA position 4974, G replaced by C.
Protein change: p.Leu1658=; no amino-acid change (leucine 1658 retained).
Molecular consequence: synonymous variant.
Genome position (GRCh38, 1-based): chr19:38,485,629, G>C. VCF-style: chr19-38485629-G-C. GRCh37 (hg19) VCF-style: chr19-38976269-G-C.
Other names: c.4974G>C, p.Leu1658= (NM_001042723.2).
Identifiers: ClinVar variation 3075411 (VCV003075411.2), dbSNP rs1187288576, ClinGen allele CA507238356.